The following is an entry in ClinVar:

ClinVar aggregate classification (germline): Pathogenic. Review status: criteria provided, multiple submitters, no conflicts (2 of 4 stars). 2 submissions from 2 submitters: Pathogenic (2). Last evaluated 2026-04-27.

Conditions:
Inborn genetic diseases. Identifiers: MedGen C0950123, MeSH D030342.

Submissions (2):

Ambry Genetics
Classification: Pathogenic for Inborn genetic diseases. Last evaluated: 2026-04-27. Review status: criteria provided, single submitter. Criteria: Ambry Variant Classification Scheme 2023. Collection method: clinical testing. Allele origin: germline.
Comment: The c.1613A>G (p.Y538C) alteration is located in exon 5 (coding exon 5) of the BICD2 gene. This alteration results from an A to G substitution at nucleotide position 1613, causing the tyrosine (Y) at amino acid position 538 to be replaced by a cysteine (C). This variant was not reported in population-based cohorts in the Genome Aggregation Database (gnomAD). This variant was reported in individuals with features consistent with lower extremity-predominant spinal muscular atrophy 2; in at least one individual, it was determined to be de novo (external communication). This amino acid position is highly conserved in available vertebrate species. This alteration is predicted to be deleterious by in silico analysis. Based on the available evidence, this alteration is classified as pathogenic.

GeneDx
Classification: Pathogenic. Last evaluated: 2023-08-21. Review status: criteria provided, single submitter. Criteria: GeneDx Variant Classification Process June 2021. Collection method: clinical testing. Allele origin: germline. Affected: yes.
Comment: Not observed at significant frequency in large population cohorts (gnomAD); In silico analysis supports that this missense variant has a deleterious effect on protein structure/function; Has not been previously published as pathogenic or benign to our knowledge

NM_001003800.2(BICD2):c.1613A>G (p.Tyr538Cys)

Gene: BICD2 (BICD cargo adaptor 2; minus strand). Cytogenetic location: 9q22.31.
Variant type: single nucleotide variant.
Coding change: c.1613A>G on transcript NM_001003800.2 (MANE Select); coding-DNA position 1613, A replaced by G.
Protein change: p.Tyr538Cys; replaces tyrosine 538 with cysteine.
Molecular consequence: missense variant.
Genome position (GRCh38, 1-based): chr9:92,719,032, T>C on the plus strand (A>G on the coding strand, the complement: BICD2 is on the minus strand). VCF-style: chr9-92719032-T-C. GRCh37 (hg19) VCF-style: chr9-95481314-T-C.
Other names: c.1613A>G, p.Tyr538Cys (NM_015250.4); short protein forms Y538C.
Identifiers: ClinVar variation 521167 (VCV000521167.6), dbSNP rs1554705485, ClinGen allele CA374036769.